The following is an entry in ClinVar:

ClinVar aggregate classification (germline): Uncertain significance. Review status: criteria provided, multiple submitters, no conflicts (2 of 4 stars). 5 submissions from 5 submitters: Uncertain significance (4). 1 of the submissions does not count toward it. Last evaluated 2026-02-17.

Conditions:
Inborn genetic diseases. Identifiers: MedGen C0950123, MeSH D030342.
Methylmalonic aciduria, cblA type (MACA). Also called: Methylmalonic aciduria, vitamin B12-responsive; Vitamin B12-responsive methylmalonic acidemia type cblA; Methylmalonic aciduria, vitamin b12-responsive, due to defect in synthesis of adenosylcobalamin, cbla complementation type; MMA cbl A type; Methylmalonic acidemia cblA type. Identifiers: Orphanet 28, Orphanet 79310, MedGen C1855109, MONDO:0009613, OMIM 251100.

Allele frequency attached by ClinVar (database versions not stated): ExAC 0.00003; gnomAD exomes 0.00004 and 0.00008; gnomAD 0.00005 and 0.00009; TOPMed 0.00006; ESP Exome Variant Server 0.00008.

Submissions (5):

Women's Health and Genetics/Laboratory Corporation of America, LabCorp
Classification: Uncertain significance. Last evaluated: 2026-02-17. Review status: criteria provided, single submitter. Criteria: LabCorp Variant Classification Summary - May 2015. Collection method: clinical testing. Allele origin: germline.

Ambry Genetics
Classification: Uncertain significance for Inborn genetic diseases. Last evaluated: 2025-11-20. Review status: criteria provided, single submitter. Criteria: Ambry Variant Classification Scheme 2023. Collection method: clinical testing. Allele origin: germline.

Labcorp Genetics (formerly Invitae), Labcorp
Classification: Uncertain significance for Methylmalonic aciduria, cblA type. Last evaluated: 2024-10-25. Review status: criteria provided, single submitter. Criteria: Invitae Variant Classification Sherloc (09022015). Collection method: clinical testing. Allele origin: germline.
Comment: This sequence change replaces arginine, which is basic and polar, with glutamine, which is neutral and polar, at codon 330 of the MMAA protein (p.Arg330Gln). This variant is present in population databases (rs140031911, gnomAD 0.008%). This variant has not been reported in the literature in individuals affected with MMAA-related conditions. ClinVar contains an entry for this variant (Variation ID: 648919). Invitae Evidence Modeling of protein sequence and biophysical properties (such as structural, functional, and spatial information, amino acid conservation, physicochemical variation, residue mobility, and thermodynamic stability) indicates that this missense variant is not expected to disrupt MMAA protein function with a negative predictive value of 80%. In summary, the available evidence is currently insufficient to determine the role of this variant in disease. Therefore, it has been classified as a Variant of Uncertain Significance.

Fulgent Genetics
Classification: Uncertain significance for Methylmalonic aciduria, cblA type. Last evaluated: 2024-04-23. Review status: criteria provided, single submitter. Criteria: ACMG Guidelines, 2015. Collection method: clinical testing. Allele origin: germline.

Natera, Inc.
Classification: Uncertain significance for Methylmalonic aciduria cblA type. Last evaluated: 2020-09-16. Review status: no assertion criteria provided. Collection method: clinical testing. Allele origin: germline. Not counted in ClinVar's aggregate classification.

NM_172250.3(MMAA):c.989G>A (p.Arg330Gln)

Gene: MMAA (metabolism of cobalamin associated A; plus strand). Cytogenetic location: 4q31.21.
Variant type: single nucleotide variant.
Coding change: c.989G>A on transcript NM_172250.3 (MANE Select); coding-DNA position 989, G replaced by A.
Protein change: p.Arg330Gln; replaces arginine 330 with glutamine.
Molecular consequence: missense variant.
Genome position (GRCh38, 1-based): chr4:145,655,166, G>A. VCF-style: chr4-145655166-G-A. GRCh37 (hg19) VCF-style: chr4-146576318-G-A.
Other names: short protein forms R330Q.
Identifiers: ClinVar variation 648919 (VCV000648919.11), dbSNP rs140031911, ClinGen allele CA3095337.
Genomic context (GRCh38, chr4:145,655,166, plus strand): 5'-TCATTTTAAGTAAAATGGTCTGGTTCTTCCCTTTTCGATAGGTAATTCGTATTTCTGCCC[G>A]AAGTGGAGAGGGGATCTCTGAAATGTGGGATAAAATGAAAGATTTCCAGGACCTAATGCT-3'
Protein context (NP_758454.1, residues 320-340): WKPKVIRISA[Arg330Gln]SGEGISEMWD